The following is an entry in ClinVar:

NM_004998.4(MYO1E):c.2702A>C (p.Gln901Pro)

Gene: MYO1E (myosin IE; minus strand). Cytogenetic location: 15q22.2.
Variant type: single nucleotide variant.
Coding change: c.2702A>C on transcript NM_004998.4 (MANE Select); coding-DNA position 2702, A replaced by C.
Protein change: p.Gln901Pro; replaces glutamine 901 with proline.
Molecular consequence: missense variant.
Genome position (GRCh38, 1-based): chr15:59,161,156, T>G on the plus strand (A>C on the coding strand, the complement: MYO1E is on the minus strand). VCF-style: chr15-59161156-T-G. GRCh37 (hg19) VCF-style: chr15-59453355-T-G.
Other names: c.2702A>C (NM_004998.2); short protein forms Q901P.
Identifiers: ClinVar variation 2142926 (VCV002142926.7), dbSNP rs199889674, ClinGen allele CA7589139.

ClinVar aggregate classification (germline): Uncertain significance. Review status: criteria provided, multiple submitters, no conflicts (2 of 4 stars). 2 submissions from 2 submitters: Uncertain significance (2). Last evaluated 2025-06-17.

Conditions:
Inborn genetic diseases. Identifiers: MedGen C0950123, MeSH D030342.

Allele frequency attached by ClinVar (database versions not stated): gnomAD exomes 0.00001; TOPMed 0.00002; gnomAD 0.00003; ExAC 0.00006; 1000 Genomes Project 30x 0.00016; 1000 Genomes Project 0.00020.
gnomAD v4.1: 15 of 1,614,132 alleles (0.00093%); highest among the groups gnomAD compares: East Asian, 0.031%; no homozygotes.

Submissions (2):

Ambry Genetics
Classification: Uncertain significance for Inborn genetic diseases. Last evaluated: 2025-06-17. Review status: criteria provided, single submitter. Criteria: Ambry Variant Classification Scheme 2023. Collection method: clinical testing. Allele origin: germline.

Labcorp Genetics (formerly Invitae), Labcorp
Classification: Uncertain significance. Last evaluated: 2022-04-10. Review status: criteria provided, single submitter. Criteria: Invitae Variant Classification Sherloc (09022015). Collection method: clinical testing. Allele origin: germline.
Comment: In summary, the available evidence is currently insufficient to determine the role of this variant in disease. Therefore, it has been classified as a Variant of Uncertain Significance. This variant has not been reported in the literature in individuals affected with MYO1E-related conditions. Algorithms developed to predict the effect of missense changes on protein structure and function are either unavailable or do not agree on the potential impact of this missense change (SIFT: "Deleterious"; PolyPhen-2: "Benign"; Align-GVGD: "Class C15"). This variant is present in population databases (rs199889674, gnomAD 0.07%). This sequence change replaces glutamine, which is neutral and polar, with proline, which is neutral and non-polar, at codon 901 of the MYO1E protein (p.Gln901Pro).